The following is an entry in ClinVar:

ClinVar aggregate classification (germline): Conflicting classifications of pathogenicity. Review status: criteria provided, conflicting classifications (1 of 4 stars). 3 submissions from 3 submitters: Uncertain significance (1); Likely benign (2). Last evaluated 2025-03-13.

Conditions:
Cardiovascular phenotype. Identifiers: MedGen CN230736.
Long QT syndrome (LQTS). Identifiers: MedGen C0023976, MeSH D008133, MONDO:0002442. Disease mechanism: loss of function. Inheritance: Various modes of inheritance.

Allele frequency attached by ClinVar (database versions not stated): gnomAD 0.00002 and 0.00003; gnomAD exomes 0.00003; TOPMed 0.00004; ExAC 0.00007; ESP Exome Variant Server 0.00008.
gnomAD v4.1: 21 of 1,591,230 alleles (0.0013%); highest among the groups gnomAD compares: Admixed American, 0.0054%; no homozygotes.

Submissions (3):

Labcorp Genetics (formerly Invitae), Labcorp
Classification: Uncertain significance for Long QT syndrome. Last evaluated: 2025-03-13. Review status: criteria provided, single submitter. Criteria: Invitae Variant Classification Sherloc (09022015). Collection method: clinical testing. Allele origin: germline.
Comment: This sequence change replaces lysine, which is basic and polar, with asparagine, which is neutral and polar, at codon 2660 of the AKAP9 protein (p.Lys2660Asn). This variant is present in population databases (rs371461279, gnomAD 0.01%). This variant has not been reported in the literature in individuals affected with AKAP9-related conditions. ClinVar contains an entry for this variant (Variation ID: 845291). An algorithm developed to predict the effect of missense changes on protein structure and function outputs the following: PolyPhen-2: "Benign". The asparagine amino acid residue is found in multiple mammalian species, which suggests that this missense change does not adversely affect protein function. In summary, the available evidence is currently insufficient to determine the role of this variant in disease. Therefore, it has been classified as a Variant of Uncertain Significance.

Women's Health and Genetics/Laboratory Corporation of America, LabCorp
Classification: Likely benign. Last evaluated: 2023-12-12. Review status: criteria provided, single submitter. Criteria: LabCorp Variant Classification Summary - May 2015. Collection method: clinical testing. Allele origin: germline.
Comment: Variant summary: AKAP9 c.7980A>C (p.Lys2660Asn) results in a non-conservative amino acid change in the encoded protein sequence. Four of five in-silico tools predict a benign effect of the variant on protein function. The variant allele was found at a frequency of 1.3e-05 in 1591230 control chromosomes (gnomAD). The observed variant frequency is approximately 4-fold of the estimated maximal expected allele frequency for a pathogenic variant in AKAP9 causing Arrhythmia phenotype (3.3e-06), strongly suggesting that the variant is benign. c.7980A>C was absent from a cohort of 167 individuals affected with Brugada Syndrome, but was found in 1/167 control individuals over 65 years of age showing no history of cardiac arrhythmia (Le Scouarnec_2015). This report does not provide unequivocal conclusions about association of the variant with Arrhythmia. To our knowledge, no experimental evidence demonstrating an impact on protein function has been reported. The following publication has been ascertained in the context of this evaluation (PMID: 25650408). Two submitters have cited clinical-significance assessments for this variant to ClinVar after 2014. One submitter classified the variant as likely benign, and one submitter classified the variant as uncertain significance. Based on the evidence outlined above, the variant was classified as likely benign.

Ambry Genetics
Classification: Likely benign for Cardiovascular phenotype. Last evaluated: 2023-08-28. Review status: criteria provided, single submitter. Criteria: Ambry Variant Classification Scheme 2023. Collection method: clinical testing. Allele origin: germline.

Literature cited by the submitters: PubMed 25650408 (cited by Women's Health and Genetics/Laboratory Corporation of America, LabCorp).

NM_005751.5(AKAP9):c.7980A>C (p.Lys2660Asn)

Gene: AKAP9 (A-kinase anchoring protein 9; plus strand). Cytogenetic location: 7q21.2.
Variant type: single nucleotide variant.
Coding change: c.7980A>C on transcript NM_005751.5 (MANE Select); coding-DNA position 7980, A replaced by C.
Protein change: p.Lys2660Asn; replaces lysine 2660 with asparagine.
Molecular consequence: missense variant.
Genome position (GRCh38, 1-based): chr7:92,080,113, A>C. VCF-style: chr7-92080113-A-C. GRCh37 (hg19) VCF-style: chr7-91709427-A-C.
Other names: c.2625A>C, p.Lys875Asn (NM_001379277.1); c.7956A>C, p.Lys2652Asn (NM_147185.3); short protein forms K2652N, K2660N, K875N.
Identifiers: ClinVar variation 845291 (VCV000845291.11), dbSNP rs371461279, ClinGen allele CA4337370.